The following is an entry in ClinVar:

NM_001165963.4(SCN1A):c.*1031A>T

Genes: SCN1A (sodium voltage-gated channel alpha subunit 1; minus strand), LOC102724058 (uncharacterized LOC102724058; plus strand). Cytogenetic location: 2q24.3.
Variant type: single nucleotide variant.
Coding change: c.*1031A>T on transcript NM_001165963.4 (MANE Select); 1031 bases downstream of the stop codon, A replaced by T.
Molecular consequence: 3 prime UTR variant. On other transcripts: non-coding transcript variant (1).
Genome position (GRCh38, 1-based): chr2:165,990,214, T>A on the plus strand (A>T on the coding strand, the complement: SCN1A is on the minus strand). VCF-style: chr2-165990214-T-A. GRCh37 (hg19) VCF-style: chr2-166846724-T-A.
Other names: c.*1031A>T (NM_001165964.3, NM_001202435.3, NM_001353948.2 and 11 more transcripts).
Identifiers: ClinVar variation 331868 (VCV000331868.6), dbSNP rs114522414, ClinGen allele CA10612743.

ClinVar aggregate classification (germline): Likely benign. Review status: criteria provided, single submitter (1 of 4 stars). 2 submissions from 1 submitter: Likely benign (2). Last evaluated 2017-04-27.

Conditions:
Generalized epilepsy with febrile seizures plus, type 2 (GEFSP2). Also called: GEFS+, TYPE 2. Identifiers: Orphanet 36387, MedGen C1858673, MONDO:0011461, OMIM 604403.
Migraine, familial hemiplegic, 3. Identifiers: Orphanet 569, MedGen C1864987, MONDO:0012320, OMIM 609634.

Allele frequency attached by ClinVar (database versions not stated): 1000 Genomes Project 30x 0.00937; TOPMed 0.00953; 1000 Genomes Project 0.00759; gnomAD 0.00830 and 0.00876.

Submissions (2):

Illumina Laboratory Services, Illumina
Classification: Likely benign for Migraine, familial hemiplegic, 3. Last evaluated: 2017-04-27. Review status: criteria provided, single submitter. Criteria: ICSL Variant Classification Criteria 13 December 2019. Collection method: clinical testing. Allele origin: germline.
Comment: This variant was observed as part of a predisposition screen in an ostensibly healthy population. A literature search was performed for the gene, cDNA change, and amino acid change (where applicable). Publications were found based on this search. The evidence from the literature, in combination with allele frequency data from public databases where available, was sufficient to determine this variant is unlikely to cause disease. Therefore, this variant is classified as likely benign.

Illumina Laboratory Services, Illumina
Classification: Likely benign for Generalized epilepsy with febrile seizures plus, type 2. Last evaluated: 2017-04-27. Review status: criteria provided, single submitter. Criteria: ICSL Variant Classification Criteria 13 December 2019. Collection method: clinical testing. Allele origin: germline.
Comment: This variant was observed as part of a predisposition screen in an ostensibly healthy population. A literature search was performed for the gene, cDNA change, and amino acid change (where applicable). No publications were found based on this search. Allele frequency data from public databases allowed determination this variant is unlikely to cause disease. Therefore, this variant is classified as likely benign.

Literature cited by the submitters: PubMed 24464349.